The following is an entry in ClinVar:

ClinVar aggregate classification (germline): Pathogenic/Likely pathogenic. Review status: criteria provided, multiple submitters, no conflicts (2 of 4 stars). 6 submissions from 6 submitters: Pathogenic (4); Likely pathogenic (1). 1 of the submissions does not count toward it. Last evaluated 2025-07-20.

Conditions:
Cardiovascular phenotype. Identifiers: MedGen CN230736.
Familial long QT syndrome (RWS). Also called: Congenital long QT syndrome; Romano-Ward syndrome; VENTRICULAR FIBRILLATION WITH PROLONGED QT INTERVAL. Identifiers: Orphanet 768, MedGen C1141890, MONDO:0019171.
Long QT syndrome (LQTS). Identifiers: MedGen C0023976, MeSH D008133, MONDO:0002442. Disease mechanism: loss of function. Inheritance: Various modes of inheritance.
Long QT syndrome 1 (LQT1). Identifiers: Orphanet 101016, Orphanet 768, MedGen C4551647, MONDO:0100316, OMIM 192500, MONDO:0008646.

Submissions (6):

Labcorp Genetics (formerly Invitae), Labcorp
Classification: Pathogenic for Long QT syndrome. Last evaluated: 2025-07-20. Review status: criteria provided, single submitter. Criteria: Invitae Variant Classification Sherloc (09022015). Collection method: clinical testing. Allele origin: germline.
Comment: This sequence change replaces phenylalanine, which is neutral and non-polar, with serine, which is neutral and polar, at codon 339 of the KCNQ1 protein (p.Phe339Ser). This variant is not present in population databases (gnomAD no frequency). This missense change has been observed in individual(s) with Long QT syndrome (PMID: 17224687, 19808498; internal data). In at least one individual the variant was observed to be de novo. ClinVar contains an entry for this variant (Variation ID: 52929). Invitae Evidence Modeling of protein sequence and biophysical properties (such as structural, functional, and spatial information, amino acid conservation, physicochemical variation, residue mobility, and thermodynamic stability) indicates that this missense variant is expected to disrupt KCNQ1 protein function with a positive predictive value of 95%. Experimental studies have shown that this missense change affects KCNQ1 function (PMID: 17224687, 19808498, 23291057). For these reasons, this variant has been classified as Pathogenic.

GeneDx
Classification: Pathogenic. Last evaluated: 2025-05-13. Review status: criteria provided, single submitter. Criteria: GeneDx Variant Classification Process June 2021. Collection method: clinical testing. Allele origin: germline. Affected: yes.
Comment: Not observed at significant frequency in large population cohorts (gnomAD); In silico analysis supports that this missense variant has a deleterious effect on protein structure/function; Published functional studies in both Xenopus oocytes and Chinese hamster ovary cells demonstrated that p.(F339S) causes a reduced delayed rectifier channel current (PMID: 19808498, 23291057); This variant is associated with the following publications: (PMID: 19808498, 23291057, 24667783, 26669661, 31737537, 34505893, 17905336, 17224687, 39166328)

Ambry Genetics
Classification: Pathogenic for Cardiovascular phenotype. Last evaluated: 2022-12-12. Review status: criteria provided, single submitter. Criteria: Ambry Variant Classification Scheme 2023. Collection method: clinical testing. Allele origin: germline.
Comment: The p.F339S pathogenic mutation (also known as c.1016T>C), located in coding exon 7 of the KCNQ1 gene, results from a T to C substitution at nucleotide position 1016. The phenylalanine at codon 339 is replaced by serine, an amino acid with highly dissimilar properties, and is located in the S6 transmembrane region of the protein. This mutation has been detected in multiple unrelated individuals with long QT syndrome, including one reportedly de novo occurrence; however the details of de novo status determination were not provided (Miller TE et al. Genet. Med., 2007 Jan;9:23-33; Chung SK et al. Heart Rhythm, 2007 Oct;4:1306-14; Yang T et al. Circ Arrhythm Electrophysiol, 2009 Aug;2:417-26; Hoosien M et al. Heart Rhythm, 2013 May;10:728-37). In addition, in vitro functional studies have indicated this variant to result in significantly reduced or absent channel current (Yang T et al. Circ Arrhythm Electrophysiol, 2009 Aug;2:417-26; Hoosien M et al. Heart Rhythm, 2013 May;10:728-37). This variant is considered to be rare based on population cohorts in the Genome Aggregation Database (gnomAD). In addition, this alteration is predicted to be deleterious by in silico analysis. Based on the supporting evidence, this alteration is interpreted as a disease-causing mutation.

SIB Swiss Institute of Bioinformatics
Classification: Likely pathogenic for Long QT syndrome 1. Last evaluated: 2018-10-15. Review status: criteria provided, single submitter. Criteria: ACMG Guidelines, 2015. Collection method: curation. Allele origin: unknown.
Comment: This variant is interpreted as Likely Pathogenic, for Long QT syndrome 1, autosomal dominant. The following ACMG Tag(s) were applied: PM2 => Absent from controls (or at extremely low frequency if recessive) in Exome Sequencing Project, 1000 Genomes Project, or Exome Aggregation Consortium. PP3 => Multiple lines of computational evidence support a deleterious effect on the gene or gene product. PS3 => Well-established functional studies show a deleterious effect (PubMed 19808498).

MVZ Martinsried, Medicover Genetics
Classification: Pathogenic for Long QT syndrome 1. Last evaluated: 2017-07-28. Review status: criteria provided, single submitter. Criteria: ACMG Guidelines, 2015. Collection method: clinical testing. Allele origin: unknown. Affected: yes.

Cardiovascular Biomedical Research Unit, Royal Brompton & Harefield NHS Foundation Trust
No classification provided. Condition: Familial long QT syndrome. Review status: no classification provided. Collection method: literature only. Allele origin: germline. Not counted in ClinVar's aggregate classification.
Comment: This variant has been reported as associated with Long QT syndrome in the following publications (PMID:17224687;PMID:17905336;PMID:19808498). This is a literature report, and does not necessarily reflect the clinical interpretation of the Imperial College / Royal Brompton Cardiovascular Genetics laboratory.

Literature cited by the submitters: PubMed 17224687 (cited by 3 submitters); PubMed 19808498 (cited by 4 submitters); PubMed 23291057 (cited by Labcorp Genetics (formerly Invitae), Labcorp and Ambry Genetics); PubMed 17905336 (cited by Ambry Genetics and Cardiovascular Biomedical Research Unit, Royal Brompton & Harefield NHS Foundation Trust); PubMed 22293141 (cited by Ambry Genetics); PubMed 22581653 (cited by Cardiovascular Biomedical Research Unit, Royal Brompton & Harefield NHS Foundation Trust).

NM_000218.3(KCNQ1):c.1016T>C (p.Phe339Ser)

Gene: KCNQ1 (potassium voltage-gated channel subfamily Q member 1; plus strand). Cytogenetic location: 11p15.5.
Variant type: single nucleotide variant.
Coding change: c.1016T>C on transcript NM_000218.3 (MANE Select); coding-DNA position 1016, T replaced by C.
Protein change: p.Phe339Ser; replaces phenylalanine 339 with serine.
Molecular consequence: missense variant.
Genome position (GRCh38, 1-based): chr11:2,583,529, T>C. VCF-style: chr11-2583529-T-C. GRCh37 (hg19) VCF-style: chr11-2604759-T-C.
Other names: p.F339S:TTC>TCC; c.1016T>C (LRG_287t1); c.1016T>C, p.Phe339Ser (NM_001406836.1); c.746T>C, p.Phe249Ser (NM_001406837.1); c.572T>C, p.Phe191Ser (NM_001406838.1); c.635T>C, p.Phe212Ser (NM_181798.2); short protein forms F339S, F212S, F249S, F191S.
Identifiers: ClinVar variation 52929 (VCV000052929.15), dbSNP rs199472759, ClinGen allele CA004838.